The following is an entry in ClinVar:

ClinVar aggregate classification (germline): Uncertain significance (1 of 4 stars; one submission).

Submission:

GeneDx
Classification: Uncertain significance. Last evaluated: 2025-03-25. Review status: criteria provided, single submitter. Criteria: GeneDx Variant Classification Process June 2021. Collection method: clinical testing. Allele origin: germline. Affected: yes.
Comment: Not observed at significant frequency in large population cohorts (gnomAD); In silico analysis supports that this missense variant has a deleterious effect on protein structure/function; Has not been previously published as pathogenic or benign to our knowledge

NM_024422.6(DSC2):c.550A>C (p.Asn184His)

Gene: DSC2 (desmocollin 2; minus strand). Cytogenetic location: 18q12.1.
Variant type: single nucleotide variant.
Coding change: c.550A>C on transcript NM_024422.6 (MANE Select); coding-DNA position 550, A replaced by C.
Protein change: p.Asn184His; replaces asparagine 184 with histidine.
Molecular consequence: missense variant.
Genome position (GRCh38, 1-based): chr18:31,089,519, T>G on the plus strand (A>C on the coding strand, the complement: DSC2 is on the minus strand). VCF-style: chr18-31089519-T-G. GRCh37 (hg19) VCF-style: chr18-28669482-T-G.
Other names: c.121A>C, p.Asn41His (NM_001406506.1, NM_001406507.1); c.550A>C, p.Asn184His (NM_004949.5); short protein forms N184H, N41H.
Identifiers: ClinVar variation 4087895 (VCV004087895.1).